The following is an entry in ClinVar:

NM_020408.6(LYRM4):c.31T>A (p.Ser11Thr)

Genes: FARS2 (phenylalanyl-tRNA synthetase 2, mitochondrial; plus strand), LYRM4 (LYR motif containing 4; minus strand), LOC129995672 (ATAC-STARR-seq lymphoblastoid silent region 16873; plus strand). Cytogenetic location: 6p25.1.
Variant type: single nucleotide variant.
Coding change: c.31T>A on transcript NM_020408.6 (MANE Select); coding-DNA position 31, T replaced by A.
Protein change: p.Ser11Thr; replaces serine 11 with threonine.
Molecular consequence: missense variant. On other transcripts: non-coding transcript variant (3).
Genome position (GRCh38, 1-based): chr6:5,260,703, A>T on the plus strand (T>A on the coding strand, the complement: LYRM4 is on the minus strand). VCF-style: chr6-5260703-A-T. GRCh37 (hg19) VCF-style: chr6-5260936-A-T.
Other names: c.31T>A, p.Ser11Thr (NM_001164840.3, NM_001164841.3, NM_001318782.1 and 1 more transcripts); short protein forms S11T.
Identifiers: ClinVar variation 4808334 (VCV004808334.1).

ClinVar aggregate classification (germline): Uncertain significance (1 of 4 stars; one submission).

Submission:

Labcorp Genetics (formerly Invitae), Labcorp
Classification: Uncertain significance. Last evaluated: 2025-07-14. Review status: criteria provided, single submitter. Criteria: Invitae Variant Classification Sherloc (09022015). Collection method: clinical testing. Allele origin: germline.
Comment: This sequence change replaces serine, which is neutral and polar, with threonine, which is neutral and polar, at codon 11 of the LYRM4 protein (p.Ser11Thr). This variant is not present in population databases (gnomAD no frequency). This variant has not been reported in the literature in individuals affected with LYRM4-related conditions. An algorithm developed to predict the effect of missense changes on protein structure and function (PolyPhen-2) suggests that this variant is likely to be tolerated. In summary, the available evidence is currently insufficient to determine the role of this variant in disease. Therefore, it has been classified as a Variant of Uncertain Significance.